The following is an entry in ClinVar:

ClinVar aggregate classification (germline): Likely benign (1 of 4 stars; one submission).

Conditions:
FECH-related disorder. Also called: FECH-related condition.

gnomAD v4.1: 3 of 1,522,428 alleles (0.0002%); highest among the groups gnomAD compares: African/African-American, 0.0014%; no homozygotes.

Submission:

PreventionGenetics, part of Exact Sciences
Classification: Likely benign for FECH-related condition. Last evaluated: 2025-04-09. Review status: criteria provided, single submitter. Criteria: ACMG Guidelines, 2015. Collection method: clinical testing. Allele origin: germline.
Comment: This variant is classified as likely benign based on ACMG/AMP sequence variant interpretation guidelines (Richards et al. 2015 PMID: 25741868, with internal and published modifications).

NM_000140.5(FECH):c.52C>T (p.Leu18=)

Genes: FECH (ferrochelatase; minus strand), LOC130062560 (ATAC-STARR-seq lymphoblastoid silent region 9481; plus strand). Cytogenetic location: 18q21.31.
Variant type: single nucleotide variant.
Coding change: c.52C>T on transcript NM_000140.5 (MANE Select); coding-DNA position 52, C replaced by T.
Protein change: p.Leu18=; no amino-acid change (leucine 18 retained).
Molecular consequence: synonymous variant. On other transcripts: 5 prime UTR variant (1).
Genome position (GRCh38, 1-based): chr18:57,586,569, G>A on the plus strand (C>T on the coding strand, the complement: FECH is on the minus strand). VCF-style: chr18-57586569-G-A. GRCh37 (hg19) VCF-style: chr18-55253801-G-A.
Other names: c.52C>T, p.Leu18= (NM_001012515.4, NM_001371094.1, NM_001374778.1); c.-275C>T (NM_001371095.1).
Identifiers: ClinVar variation 4982480 (VCV004982480.1).
Genomic context (GRCh38, chr18:57,586,569, plus strand): 5'-CTCAGGGATCCTGGCCCTGGCGGCCGCCGCGACAGACCCACTTACGCGGATCGCGGAGCA[G>A]GACGCCCGCGGCGCGCAGGGCCGCAGCCATGTTTGCGCCGAGTGAACGCATTGCCTGGGC-3'
Protein context (NP_000131.2, residues 8-28): MAAALRAAGV[Leu18=]LRDPLASSSW